The following is an entry in ClinVar:

ClinVar aggregate classification (germline): Uncertain significance. Review status: criteria provided, multiple submitters, no conflicts (2 of 4 stars). 2 submissions from 2 submitters: Uncertain significance (2). Last evaluated 2020-09-23.

Conditions:
Autism spectrum disorder. Also called: Autism spectrum disorders. Identifiers: MedGen C1510586, MeSH D000067877, MONDO:0005258.

Submissions (2):

New York Genome Center
Classification: Uncertain significance. Last evaluated: 2020-09-23. Review status: criteria provided, single submitter. Criteria: NYGC Assertion Criteria 2020. Collection method: clinical testing. Allele origin: germline. Affected: yes. Observed: 1 heterozygote. Study: CSER-NYCKidSeq.

Breakthrough Genomics
Classification: Uncertain significance. Review status: criteria provided, single submitter. Criteria: ACMG Guidelines, 2015. Collection method: not provided. Allele origin: germline. Inheritance: Unknown mechanism. Affected: yes.

NM_030966.2(KRTAP1-3):c.121C>G (p.Gln41Glu)

Gene: KRTAP1-3 (keratin associated protein 1-3; minus strand). Cytogenetic location: 17q21.2.
Variant type: single nucleotide variant.
Coding change: c.121C>G on transcript NM_030966.2 (MANE Select); coding-DNA position 121, C replaced by G.
Protein change: p.Gln41Glu; replaces glutamine 41 with glutamic acid.
Molecular consequence: missense variant.
Genome position (GRCh38, 1-based): chr17:41,034,701, G>C on the plus strand (C>G on the coding strand, the complement: KRTAP1-3 is on the minus strand). VCF-style: chr17-41034701-G-C. GRCh37 (hg19) VCF-style: chr17-39190953-G-C.
Other names: short protein forms Q41E.
Identifiers: ClinVar variation 1213714 (VCV001213714.4), dbSNP rs78298475, ClinGen allele CA290610956.